The following is an entry in ClinVar:

NM_001375380.1(EBF3):c.485+2_485+8del

Gene: EBF3 (EBF transcription factor 3; minus strand). Cytogenetic location: 10q26.3.
Variant type: Deletion.
Coding change: c.485+2_485+8del on transcript NM_001375380.1 (MANE Select); the canonical splice donor site of the intron after coding-DNA position 485 through 8 bases into the intron after coding-DNA position 485, 7 bases deleted (TGAGCGG; older notation c.485+2_485+8delTGAGCGG).
Molecular consequence: splice donor variant.
Genome position (GRCh38, 1-based): chr10:129,958,926-129,958,932, CCGCTCA deleted on the plus strand (TGAGCGG on the coding strand, the reverse complement: EBF3 is on the minus strand); deleting any 7 consecutive bases within chr10:129,958,926-129,958,934 gives the same sequence; the c. name uses the placement nearest the transcript's 3' end. VCF-style (leftmost placement, unchanged base first): chr10-129958925-GCCGCTCA-G. GRCh37 (hg19) VCF-style: chr10-131757189-GCCGCTCA-G.
Other names: c.485+2_485+8del (NM_001375392.1, NM_001005463.3, NM_001375390.1 and 3 more transcripts).
Identifiers: ClinVar variation 4891156 (VCV004891156.1).

ClinVar aggregate classification (germline): Pathogenic/Likely pathogenic. Review status: criteria provided, multiple submitters, no conflicts (2 of 4 stars). 2 submissions from 2 submitters: Pathogenic (1); Likely pathogenic (1). Last evaluated 2026-06-16.

Conditions:
Hypotonia, ataxia, and delayed development syndrome (HADDS). Also called: EBF3 Neurodevelopmental Disorder. Identifiers: Orphanet 658843, MedGen C4310618, MONDO:0015021, OMIM 617330.
EBF3-related disorder. Identifiers: MedGen CN239924.

Submissions (2):

Greenwood Genetic Center Diagnostic Laboratories, Greenwood Genetic Center
Classification: Pathogenic for Hypotonia, ataxia, and delayed development syndrome. Last evaluated: 2026-06-16. Review status: criteria provided, single submitter. Criteria: ACMG Guidelines, 2015. Collection method: clinical testing. Allele origin: germline. Affected: yes.
Comment: PVS1, PS4_Supporting, PM2

Blueprint Genetics
Classification: Likely pathogenic for EBF3-related disorders. Last evaluated: 2022-12-15. Review status: criteria provided, single submitter. Criteria: ACMG Guidelines, 2015. Collection method: clinical testing. Allele origin: germline. Affected: yes. Observed: 2 variant alleles.